The following is an entry in ClinVar:

NM_172107.4(KCNQ2):c.1687G>A (p.Asp563Asn)

Gene: KCNQ2 (potassium voltage-gated channel subfamily Q member 2; minus strand). Cytogenetic location: 20q13.33.
Variant type: single nucleotide variant.
Coding change: c.1687G>A on transcript NM_172107.4 (MANE Select); coding-DNA position 1687, G replaced by A.
Protein change: p.Asp563Asn; replaces aspartic acid 563 with asparagine.
Molecular consequence: missense variant.
Genome position (GRCh38, 1-based): chr20:63,413,526, C>T on the plus strand (G>A on the coding strand, the complement: KCNQ2 is on the minus strand). VCF-style: chr20-63413526-C-T. GRCh37 (hg19) VCF-style: chr20-62044879-C-T.
Other names: p.D563N:GAC>AAC; c.1633G>A, p.Asp545Asn (NM_001382235.1, NM_172106.3); c.1630G>A, p.Asp544Asn (NM_001439003.1); c.1600G>A, p.Asp534Asn (NM_001439004.1); c.1603G>A, p.Asp535Asn (NM_004518.6); c.1594G>A, p.Asp532Asn (NM_172108.5); short protein forms D563N, D532N, D535N, D545N, D534N, D544N.
Identifiers: ClinVar variation 205917 (VCV000205917.62), dbSNP rs796052653, ClinGen allele CA315477.

ClinVar aggregate classification (germline): Pathogenic. Review status: criteria provided, multiple submitters, no conflicts (2 of 4 stars). 12 submissions from 11 submitters: Pathogenic (9). 3 of the submissions do not count toward it. Last evaluated 2025-06-06.

Conditions:
Early-infantile DEE. Also called: Early infantile epileptic encephalopathy; Ohtahara syndrome; Early infantile epileptic encephalopathy with suppression bursts. Identifiers: Orphanet 1934, MedGen C0393706, MONDO:0800491.
Inborn genetic diseases. Identifiers: MedGen C0950123, MeSH D030342.
Developmental and epileptic encephalopathy, 7 (DEE7). Also called: KCNQ2-Related Neonatal-Onset Developmental and Epileptic Encephalopathy (NEO-DEE); KCNQ2-Related Neonatal Epileptic Encephalopathy; Early infantile epileptic encephalopathy 7. Identifiers: Orphanet 439218, MedGen C3150986, MONDO:0013387, OMIM 613720.
Seizures, benign familial neonatal, 1. Also called: KCNQ2-Related Self-Limited Familial Neonatal Epilepsy (SLFNE); KCNQ2-Related Benign Familial Neonatal Epilepsy; Benign Neonatal Epilepsy 1; Seizures, benign neonatal, 1. Identifiers: Orphanet 1949, MedGen C3149074, MONDO:0007365, OMIM 121200.

Submissions (12):

Dasa
Classification: Pathogenic. Last evaluated: 2025-06-06. Review status: criteria provided, single submitter. Criteria: DASA Assertion Criteria. Collection method: clinical testing. Allele origin: germline.
Comment: NM_172107.4(KCNQ2):c.1687G>A (p.Asp563Asn) is a missense variant that results in the substitution of aspartic acid with asparagine. The affected residue or protein region has prior evidence supporting clinical relevance. De novo occurrence has been reported in an individual with related phenotype. Functional evidence supports a deleterious effect on the gene or gene product (PMID: 29383681; PMID: 24107868; PMID: 23621294; PMID: 31172278; PMID: 25959266). This variant has been recurrently observed in individuals with related phenotype (PMID: 29383681; PMID: 24107868; PMID: 23621294; PMID: 31172278; PMID: 25959266). Multiple computational predictions support a deleterious effect on the gene or gene product. The variant is present at low frequency in population datasets. Based on the available data, this variant is classified as pathogenic.

Labcorp Genetics (formerly Invitae), Labcorp
Classification: Pathogenic for Early-infantile DEE. Last evaluated: 2025-04-23. Review status: criteria provided, single submitter. Criteria: Invitae Variant Classification Sherloc (09022015). Collection method: clinical testing. Allele origin: germline.
Comment: This sequence change replaces aspartic acid, which is acidic and polar, with asparagine, which is neutral and polar, at codon 563 of the KCNQ2 protein (p.Asp563Asn). This variant is not present in population databases (gnomAD no frequency). This missense change has been observed in individual(s) with benign familial neonatal seizures (PMID: 24107868, 26007637). In at least one individual the variant was observed to be de novo. This variant is also known as D535N. ClinVar contains an entry for this variant (Variation ID: 205917). Invitae Evidence Modeling of protein sequence and biophysical properties (such as structural, functional, and spatial information, amino acid conservation, physicochemical variation, residue mobility, and thermodynamic stability) indicates that this missense variant is expected to disrupt KCNQ2 protein function with a positive predictive value of 95%. Experimental studies have shown that this missense change affects KCNQ2 function (PMID: 29383681). This variant disrupts the p.Asp563 amino acid residue in KCNQ2. Other variant(s) that disrupt this residue have been determined to be pathogenic (PMID: 23621294, 27334371). This suggests that this residue is clinically significant, and that variants that disrupt this residue are likely to be disease-causing. For these reasons, this variant has been classified as Pathogenic.

GeneDx
Classification: Pathogenic. Last evaluated: 2023-11-28. Review status: criteria provided, single submitter. Criteria: GeneDx Variant Classification Process June 2021. Collection method: clinical testing. Allele origin: germline. Affected: yes.
Comment: Published functional studies demonstrate a decrease in PIP2 apparent affinity and a reduction in channel function; reported using alternate nomenclature D535N (PMID: 29383681); Not observed at significant frequency in large population cohorts (gnomAD); This variant is associated with the following publications: (PMID: 24107868, 23621294, 31172278, 25959266, 26007637, 27334371, 32581083, 30669290, 32651551, 33811133, 31440721, 27602407, 29383681)

Revvity Omics, Revvity
Classification: Pathogenic. Last evaluated: 2022-02-22. Review status: criteria provided, single submitter. Criteria: ACMG Guidelines, 2015. Collection method: clinical testing. Allele origin: germline.

AiLife Diagnostics
Classification: Pathogenic. Last evaluated: 2020-05-01. Review status: criteria provided, single submitter. Criteria: ACMG Guidelines, 2015. Collection method: clinical testing. Allele origin: de novo. Affected: yes. Observed: 1 variant allele.

CeGaT Center for Human Genetics Tuebingen
Classification: Pathogenic. Last evaluated: 2020-03-01. Review status: criteria provided, single submitter. Criteria: CeGaT Center For Human Genetics Tuebingen Variant Classification Criteria Version 2. Collection method: clinical testing. Allele origin: germline. Affected: yes. Observed: 4 variant alleles.

Fulgent Genetics
Classification: Pathogenic for Seizures, benign familial neonatal, 1; Developmental and epileptic encephalopathy, 7. Last evaluated: 2018-10-31. Review status: criteria provided, single submitter. Criteria: ACMG Guidelines, 2015. Collection method: clinical testing. Allele origin: unknown.

Center for Pediatric Genomic Medicine, Children's Mercy Hospital and Clinics
Classification: Pathogenic. Last evaluated: 2016-12-27. Review status: criteria provided, single submitter. Criteria: ACMG Guidelines, 2015. Collection method: clinical testing. Allele origin: de novo.

Ambry Genetics
Classification: Pathogenic for Inborn genetic diseases. Last evaluated: 2016-06-09. Review status: criteria provided, single submitter. Criteria: Ambry Variant Classification Scheme 2023. Collection method: clinical testing. Allele origin: germline.
Comment: The p.D563N pathogenic mutation (also known as c.1687G>A), located in coding exon 15 of the KCNQ2 gene, results from a G to A substitution at nucleotide position 1687. The aspartic acid at codon 563 is replaced by asparagine, an amino acid with highly similar properties. This mutation has been detected as a de novo occurrence with confirmed paternity in three unrelated individuals with neonatal epileptic encephalopathy diagnoses before age one month (Weckhuysen S, et al. Neurology 2013;81(19):1697-703; Milh M, et al. Am. J. Med. Genet. A 2015; 167A(10):2314-8). In addition, a different alteration located at the same position, p.D563E, was detected as a de novo occurrence with confirmed paternity in an individual with early onset epileptic encephalopathy (Kato M, et al. Epilepsia 2013 Jul; 54(7):1282-7). Based on the supporting evidence, p.D563N is interpreted as a disease-causing mutation.

Center of Excellence for Medical Genomics, Chulalongkorn University
Classification: Pathogenic for Developmental and epileptic encephalopathy, 7. Last evaluated: 2022-08-19. Review status: no assertion criteria provided. Collection method: research. Allele origin: de novo. Affected: yes. Not counted in ClinVar's aggregate classification.

Center of Excellence for Medical Genomics, Chulalongkorn University
Classification: Pathogenic for Seizures, benign familial neonatal, 1. Last evaluated: 2002-09-08. Review status: no assertion criteria provided. Collection method: research. Allele origin: de novo. Affected: yes. Not counted in ClinVar's aggregate classification.

GeneReviews
No classification provided. Condition: Developmental and epileptic encephalopathy, 7. Review status: no classification provided. Collection method: literature only. Allele origin: germline. Affected: yes. Not counted in ClinVar's aggregate classification.
Comment: EE (epileptic encephalopathy)

Literature cited by the submitters: PubMed 29383681 (cited by 3 submitters); PubMed 24107868 (cited by 5 submitters); PubMed 23621294 (cited by 4 submitters); PubMed 31172278 (cited by Dasa); PubMed 25959266 (cited by 4 submitters); PubMed 32581083 (cited by Dasa); PubMed 32651551 (cited by Dasa); PubMed 26007637 (cited by Labcorp Genetics (formerly Invitae), Labcorp and AiLife Diagnostics); PubMed 27334371 (cited by Labcorp Genetics (formerly Invitae), Labcorp and AiLife Diagnostics); NCBI Bookshelf NBK32534 (cited by GeneReviews).